The following is an entry in ClinVar:

NM_001378609.3(OTOGL):c.281C>T (p.Thr94Ile)

Gene: OTOGL (otogelin like; plus strand). Cytogenetic location: 12q21.31.
Variant type: single nucleotide variant.
Coding change: c.281C>T on transcript NM_001378609.3 (MANE Select); coding-DNA position 281, C replaced by T.
Protein change: p.Thr94Ile; replaces threonine 94 with isoleucine.
Molecular consequence: missense variant.
Genome position (GRCh38, 1-based): chr12:80,219,859, C>T. VCF-style: chr12-80219859-C-T. GRCh37 (hg19) VCF-style: chr12-80613639-C-T.
Other names: c.281C>T, p.Thr94Ile (NM_001368062.3, NM_001378610.3, NM_173591.7); short protein forms T94I.
Identifiers: ClinVar variation 3926715 (VCV003926715.2).

ClinVar aggregate classification (germline): Uncertain significance. Review status: criteria provided, multiple submitters, no conflicts (2 of 4 stars). 2 submissions from 2 submitters: Uncertain significance (2). Last evaluated 2025-07-08.

Conditions:
OTOGL-related disorder. Also called: OTOGL-related condition.
Inborn genetic diseases. Identifiers: MedGen C0950123, MeSH D030342.

gnomAD v4.1: 6 of 1,593,284 alleles (0.00038%); highest among the groups gnomAD compares: Admixed American, 0.005%; no homozygotes.

Submissions (2):

PreventionGenetics, part of Exact Sciences
Classification: Uncertain significance for OTOGL-related condition. Last evaluated: 2025-07-08. Review status: criteria provided, single submitter. Criteria: ACMG Guidelines, 2015. Collection method: clinical testing. Allele origin: germline.
Comment: The OTOGL c.254C>T variant is predicted to result in the amino acid substitution p.Thr85Ile. To our knowledge, this variant has not been reported in the literature. This variant is reported in 0.0088% of alleles in individuals of Latino descent in gnomAD. At this time, the clinical significance of this variant is uncertain due to the absence of conclusive functional and genetic evidence.

Ambry Genetics
Classification: Uncertain significance for Inborn genetic diseases. Last evaluated: 2025-04-03. Review status: criteria provided, single submitter. Criteria: Ambry Variant Classification Scheme 2023. Collection method: clinical testing. Allele origin: germline.